The following is an entry in ClinVar:

ClinVar aggregate classification (germline): Likely pathogenic (1 of 4 stars; one submission).

Conditions:
Dilated cardiomyopathy 1G (CMD1G). Identifiers: Orphanet 154, MedGen C1858763, MONDO:0011400, OMIM 604145.
Autosomal recessive limb-girdle muscular dystrophy type 2J (LGMDR10). Also called: Limb-girdle muscular dystrophy, type 2J; MUSCULAR DYSTROPHY, LIMB-GIRDLE, AUTOSOMAL RECESSIVE 10. Identifiers: Orphanet 140922, MedGen C1837342, MONDO:0012127, OMIM 608807.

Submission:

Labcorp Genetics (formerly Invitae), Labcorp
Classification: Likely pathogenic for Dilated cardiomyopathy 1G; Autosomal recessive limb-girdle muscular dystrophy type 2J. Last evaluated: 2025-02-27. Review status: criteria provided, single submitter. Criteria: Invitae Variant Classification Sherloc (09022015). Collection method: clinical testing. Allele origin: germline.
Comment: This sequence change creates a premature translational stop signal (p.Leu21883*) in the TTN gene. While this is not anticipated to result in nonsense mediated decay, it is expected to create a truncated TTN protein. This variant is not present in population databases (gnomAD no frequency). This variant has not been reported in the literature in individuals affected with TTN-related conditions. This variant is located in the A band of TTN (PMID: 25589632). Truncating variants in this region are significantly overrepresented in patients affected with dilated cardiomyopathy (PMID: 25589632). Truncating variants in this region have also been reported in individuals affected with autosomal recessive centronuclear myopathy (PMID: 23975875). In summary, the currently available evidence indicates that the variant is pathogenic, but additional data are needed to prove that conclusively. Therefore, this variant has been classified as Likely Pathogenic.

Literature cited by the submitters: PubMed 25589632; PubMed 23975875.

NM_001267550.2(TTN):c.65626_65647dup (p.Leu21883Ter)

Genes: TTN-AS1 (TTN antisense RNA 1; plus strand), TTN (titin; minus strand). Cytogenetic location: 2q31.2.
Variant type: Duplication.
Coding change: c.65626_65647dup on transcript NM_001267550.2 (MANE Select); coding-DNA positions 65626 to 65647, 22 bases duplicated (AAAGCTGGAACTAATGTCTGCT).
Protein change: p.Leu21883Ter; replaces leucine 21883 with a stop codon.
Molecular consequence: nonsense. On other transcripts: non-coding transcript variant (1).
Genome position (GRCh38, 1-based): chr2:178,583,156-178,583,177, AGCAGACATTAGTTCCAGCTTT duplicated on the plus strand (AAAGCTGGAACTAATGTCTGCT on the coding strand, the reverse complement: TTN is on the minus strand). VCF-style (leftmost placement, unchanged base first): chr2-178583155-A-AAGCAGACATTAGTTCCAGCTTT. GRCh37 (hg19) VCF-style: chr2-179447882-A-AAGCAGACATTAGTTCCAGCTTT.
Other names: c.60703_60724dup, p.Leu20242Ter (NM_001256850.1); c.38431_38452dup, p.Leu12818Ter (NM_003319.4); c.57922_57943dup, p.Leu19315Ter (NM_133378.4); c.38806_38827dup, p.Leu12943Ter (NM_133432.3); c.39007_39028dup, p.Leu13010Ter (NM_133437.4); short protein forms L12943*, L12818*, L13010*, L19315*, L21883*, L20242*.
Identifiers: ClinVar variation 4784304 (VCV004784304.1).